The following is an entry in ClinVar:

Conditions:
Long QT syndrome 5 (LQT5). Identifiers: Orphanet 101016, Orphanet 768, MedGen C1867904, MONDO:0013372, OMIM 613695.

Submission:

Roden Lab, Vanderbilt University Medical Center
No classification provided (evidence only). Condition: Long QT syndrome 5. Review status: no classification provided. Collection method: in vitro. Allele origin: not applicable. Functional consequence: Effect on ion channel function.
ClinVar note: "not provided" was previously submitted as the classification for the variant. However, the classification appeared to be based only on an observation of functional data so it was converted to no classification on 2025-07-30.

NM_000219.6(KCNE1):c.188T>A (p.Leu63Gln)

Gene: KCNE1 (potassium voltage-gated channel subfamily E regulatory subunit 1; minus strand). Cytogenetic location: 21q22.12.
Variant type: single nucleotide variant.
Coding change: c.188T>A on transcript NM_000219.6 (MANE Select); coding-DNA position 188, T replaced by A.
Protein change: p.Leu63Gln; replaces leucine 63 with glutamine.
Molecular consequence: missense variant.
Genome position (GRCh38, 1-based): chr21:34,449,447, A>T on the plus strand (T>A on the coding strand, the complement: KCNE1 is on the minus strand). VCF-style: chr21-34449447-A-T. GRCh37 (hg19) VCF-style: chr21-35821745-A-T.
Other names: c.188T>A, p.Leu63Gln (NM_001127668.4, NM_001127669.4, NM_001127670.4 and 4 more transcripts); short protein forms L63Q.
Identifiers: ClinVar variation 3374281 (VCV003374281.2).